The following is an entry in ClinVar:

ClinVar aggregate classification (germline): Uncertain significance (1 of 4 stars; one submission).

Conditions:
Capillary malformation-arteriovenous malformation syndrome. Also called: Capillary malformation-arteriovenous malformation. Identifiers: Orphanet 137667, MedGen C1842180, MONDO:0012016.

gnomAD v4.1: 1 of 1,614,120 alleles (0.000062%); highest among the groups gnomAD compares: African/African-American, 0.0013%; no homozygotes.

Submission:

Labcorp Genetics (formerly Invitae), Labcorp
Classification: Uncertain significance for Capillary malformation-arteriovenous malformation syndrome. Last evaluated: 2025-10-15. Review status: criteria provided, single submitter. Criteria: Invitae Variant Classification Sherloc (09022015). Collection method: clinical testing. Allele origin: germline.
Comment: This sequence change replaces aspartic acid, which is acidic and polar, with glycine, which is neutral and non-polar, at codon 1007 of the RASA1 protein (p.Asp1007Gly). This variant is not present in population databases (gnomAD no frequency). This variant has not been reported in the literature in individuals affected with RASA1-related conditions. An algorithm developed to predict the effect of missense changes on protein structure and function (PolyPhen-2) suggests that this variant is likely to be tolerated. In summary, the available evidence is currently insufficient to determine the role of this variant in disease. Therefore, it has been classified as a Variant of Uncertain Significance.

NM_002890.3(RASA1):c.3020A>G (p.Asp1007Gly)

Genes: CCNH (cyclin H; minus strand), RASA1 (RAS p21 protein activator 1; plus strand). Cytogenetic location: 5q14.3.
Variant type: single nucleotide variant.
Coding change: c.3020A>G on transcript NM_002890.3 (MANE Select); coding-DNA position 3020, A replaced by G.
Protein change: p.Asp1007Gly; replaces aspartic acid 1007 with glycine.
Molecular consequence: missense variant. On other transcripts: intron variant (1).
Genome position (GRCh38, 1-based): chr5:87,389,487, A>G. VCF-style: chr5-87389487-A-G. GRCh37 (hg19) VCF-style: chr5-86685304-A-G.
Other names: c.2489A>G, p.Asp830Gly (NM_022650.3); c.933+5557T>C (NM_001364075.2); short protein forms D830G, D1007G.
Identifiers: ClinVar variation 4729283 (VCV004729283.1).